The following is an entry in ClinVar:

NM_001376.5(DYNC1H1):c.3277T>C (p.Phe1093Leu)

Gene: DYNC1H1 (dynein cytoplasmic 1 heavy chain 1; plus strand). Cytogenetic location: 14q32.31.
Variant type: single nucleotide variant.
Coding change: c.3277T>C on transcript NM_001376.5 (MANE Select); coding-DNA position 3277, T replaced by C.
Protein change: p.Phe1093Leu; replaces phenylalanine 1093 with leucine.
Molecular consequence: missense variant.
Genome position (GRCh38, 1-based): chr14:101,994,793, T>C. VCF-style: chr14-101994793-T-C. GRCh37 (hg19) VCF-style: chr14-102461130-T-C.
Other names: short protein forms F1093L.
Identifiers: ClinVar variation 2829954 (VCV002829954.3), dbSNP rs2503714834, ClinGen allele CA391033266.
Genomic context (GRCh38, chr14:101,994,793, plus strand): 5'-GGAGAAGATCTCAACAAATGGCAGGCTCTCCTGGTCCAAATAAGGAAGGCCAGAGGAACC[T>C]TTGACAATGCAGAAACCAAGAAAGAGTTTGGACCAGTAGTTATAGATTATGGCAAGGTGA-3'
Protein context (NP_001367.2, residues 1083-1103): LVQIRKARGT[Phe1093Leu]DNAETKKEFG

ClinVar aggregate classification (germline): Uncertain significance (1 of 4 stars; one submission).

Conditions:
Charcot-Marie-Tooth disease axonal type 2O. Also called: CHARCOT-MARIE-TOOTH NEUROPATHY, AXONAL, TYPE 2O; CHARCOT-MARIE-TOOTH DISEASE, AXONAL, AUTOSOMAL DOMINANT, TYPE 2O; Charcot-Marie-Tooth disease, axonal, type 20; Charcot-Marie-Tooth Neuropathy Type 2O. Identifiers: Orphanet 284232, MedGen C3280220, MONDO:0013644, OMIM 614228.

Submission:

Labcorp Genetics (formerly Invitae), Labcorp
Classification: Uncertain significance for Charcot-Marie-Tooth disease axonal type 2O. Last evaluated: 2023-01-18. Review status: criteria provided, single submitter. Criteria: Invitae Variant Classification Sherloc (09022015). Collection method: clinical testing. Allele origin: germline.
Comment: This variant is not present in population databases (gnomAD no frequency). This sequence change replaces phenylalanine, which is neutral and non-polar, with leucine, which is neutral and non-polar, at codon 1093 of the DYNC1H1 protein (p.Phe1093Leu). This variant has not been reported in the literature in individuals affected with DYNC1H1-related conditions. Advanced modeling of protein sequence and biophysical properties (such as structural, functional, and spatial information, amino acid conservation, physicochemical variation, residue mobility, and thermodynamic stability) performed at Invitae indicates that this missense variant is expected to disrupt DYNC1H1 protein function. In summary, the available evidence is currently insufficient to determine the role of this variant in disease. Therefore, it has been classified as a Variant of Uncertain Significance.